The following is an entry in ClinVar:

NM_003906.5(MCM3AP):c.4449C>G (p.Leu1483=)

Genes: MCM3AP (minichromosome maintenance complex component 3 associated protein; minus strand), MCM3AP-AS1 (MCM3AP antisense RNA 1; plus strand). Cytogenetic location: 21q22.3.
Variant type: single nucleotide variant.
Coding change: c.4449C>G on transcript NM_003906.5 (MANE Select); coding-DNA position 4449, C replaced by G.
Protein change: p.Leu1483=; no amino-acid change (leucine 1483 retained).
Molecular consequence: synonymous variant.
Genome position (GRCh38, 1-based): chr21:46,246,728, G>C on the plus strand (C>G on the coding strand, the complement: MCM3AP is on the minus strand). VCF-style: chr21-46246728-G-C. GRCh37 (hg19) VCF-style: chr21-47666642-G-C.
Identifiers: ClinVar variation 4534561 (VCV004534561.6).

ClinVar aggregate classification (germline): Likely benign (1 of 4 stars; one submission).

Submission:

CeGaT Center for Human Genetics Tuebingen
Classification: Likely benign. Last evaluated: 2025-11-01. Review status: criteria provided, single submitter. Criteria: CeGaT Center For Human Genetics Tuebingen Variant Classification Criteria Version 2. Collection method: clinical testing. Allele origin: germline. Affected: yes. Observed: 1 variant allele.
Comment: MCM3AP: PM2:Supporting, BP4, BP7